The following is an entry in ClinVar:

NM_201384.3(PLEC):c.13621G>A (p.Gly4541Ser)

Gene: PLEC (plectin; minus strand). Cytogenetic location: 8q24.3.
Variant type: single nucleotide variant.
Coding change: c.13621G>A on transcript NM_201384.3 (MANE Select); coding-DNA position 13621, G replaced by A.
Protein change: p.Gly4541Ser; replaces glycine 4541 with serine.
Molecular consequence: missense variant.
Genome position (GRCh38, 1-based): chr8:143,916,200, C>T on the plus strand (G>A on the coding strand, the complement: PLEC is on the minus strand). VCF-style: chr8-143916200-C-T. GRCh37 (hg19) VCF-style: chr8-144990368-C-T.
Other names: c.13702G>A (NM_000445.4, NM_000445.3); c.13702G>A, p.Gly4568Ser (NM_000445.5); c.13579G>A, p.Gly4527Ser (NM_201378.4); c.13555G>A, p.Gly4519Ser (NM_201379.3); c.14032G>A, p.Gly4678Ser (NM_201380.4); c.13525G>A, p.Gly4509Ser (NM_201381.3); c.13621G>A, p.Gly4541Ser (NM_201382.4); c.13633G>A, p.Gly4545Ser (NM_201383.3); short protein forms G4509S, G4519S, G4527S, G4541S, G4545S, G4568S, G4678S.
Identifiers: ClinVar variation 1011653 (VCV001011653.11), dbSNP rs782218200, ClinGen allele CA4923745.

ClinVar aggregate classification (germline): Uncertain significance. Review status: criteria provided, multiple submitters, no conflicts (2 of 4 stars). 3 submissions from 3 submitters: Uncertain significance (3). Last evaluated 2026-04-14.

Conditions:
Inborn genetic diseases. Identifiers: MedGen C0950123, MeSH D030342.
PLEC-related disorder. Also called: PLEC-related disorders; PLEC-related condition.
Epidermolysis bullosa simplex 5B, with muscular dystrophy (EBS5B). Also called: Epidermolysis bullosa simplex with muscular dystrophy; EPIDERMOLYSIS BULLOSA SIMPLEX AND LIMB-GIRDLE MUSCULAR DYSTROPHY. Identifiers: Orphanet 257, MedGen C2931072, MONDO:0009181, OMIM 226670.
Epidermolysis bullosa simplex with nail dystrophy (EBS5D). Identifiers: MedGen C4225309, MONDO:0014661, OMIM 616487.
Epidermolysis bullosa simplex 5C, with pyloric atresia (EBS5C). Also called: PLEC-Related Epidermolysis Bullosa with Pyloric Atresia; Epidermolysis bullosa simplex with pyloric atresia; PLEC1-Related Epidermolysis Bullosa with Pyloric Atresia. Identifiers: Orphanet 158684, MedGen C2677349, MONDO:0012807, OMIM 612138.
Epidermolysis bullosa simplex, Ogna type (EBS5A). Also called: Pidermolysis bullosa simplex 5A, Ogna type; EPIDERMOLYSIS BULLOSA SIMPLEX 5A, OGNA TYPE. Identifiers: Orphanet 79401, MedGen C0432317, MONDO:0007555, OMIM 131950.
Autosomal recessive limb-girdle muscular dystrophy type 2Q (LGMDR17). Also called: MUSCULAR DYSTROPHY, LIMB-GIRDLE, AUTOSOMAL RECESSIVE 17. Identifiers: Orphanet 254361, MedGen C3150989, MONDO:0013390, OMIM 613723.

Allele frequency attached by ClinVar (database versions not stated): gnomAD exomes below 0.00001; TOPMed below 0.00001; gnomAD 0.00002 and 0.00003; ExAC 0.00009; 1000 Genomes Project 30x 0.00016.
gnomAD v4.1: 7 of 1,543,424 alleles (0.00045%); highest among the groups gnomAD compares: East Asian, 0.015%; no homozygotes.

Submissions (3):

PreventionGenetics, part of Exact Sciences
Classification: Uncertain significance for PLEC-related condition. Last evaluated: 2026-04-14. Review status: criteria provided, single submitter. Criteria: ACMG Guidelines, 2015. Collection method: clinical testing. Allele origin: germline.
Comment: The PLEC c.13702G>A variant is predicted to result in the amino acid substitution p.Gly4568Ser. To our knowledge, this variant has not been reported in the literature. This variant is reported in 0.0095% of alleles in individuals of East Asian descent in gnomAD. At this time, the clinical significance of this variant is uncertain due to the absence of conclusive functional and genetic evidence.

Ambry Genetics
Classification: Uncertain significance for Inborn genetic diseases. Last evaluated: 2025-03-22. Review status: criteria provided, single submitter. Criteria: Ambry Variant Classification Scheme 2023. Collection method: clinical testing. Allele origin: germline.

Labcorp Genetics (formerly Invitae), Labcorp
Classification: Uncertain significance for Autosomal recessive limb-girdle muscular dystrophy type 2Q; Epidermolysis bullosa simplex, Ogna type; Epidermolysis bullosa simplex with nail dystrophy; Epidermolysis bullosa simplex 5C, with pyloric atresia; Epidermolysis bullosa simplex 5B, with muscular dystrophy. Last evaluated: 2024-08-23. Review status: criteria provided, single submitter. Criteria: Invitae Variant Classification Sherloc (09022015). Collection method: clinical testing. Allele origin: germline.
Comment: This sequence change replaces glycine, which is neutral and non-polar, with serine, which is neutral and polar, at codon 4568 of the PLEC protein (p.Gly4568Ser). The frequency data for this variant in the population databases is considered unreliable, as metrics indicate poor data quality at this position in the gnomAD database. This variant has not been reported in the literature in individuals affected with PLEC-related conditions. ClinVar contains an entry for this variant (Variation ID: 1011653). Experimental studies and prediction algorithms are not available or were not evaluated, and the functional significance of this variant is currently unknown. In summary, the available evidence is currently insufficient to determine the role of this variant in disease. Therefore, it has been classified as a Variant of Uncertain Significance.